The following is an entry in ClinVar:

NM_000553.6(WRN):c.2372G>C (p.Cys791Ser)

Gene: WRN (WRN RecQ like helicase; plus strand). Cytogenetic location: 8p12.
Variant type: single nucleotide variant.
Coding change: c.2372G>C on transcript NM_000553.6 (MANE Select); coding-DNA position 2372, G replaced by C.
Protein change: p.Cys791Ser; replaces cysteine 791 with serine.
Molecular consequence: missense variant.
Genome position (GRCh38, 1-based): chr8:31,116,452, G>C. VCF-style: chr8-31116452-G-C. GRCh37 (hg19) VCF-style: chr8-30973968-G-C.
Other names: short protein forms C791S.
Identifiers: ClinVar variation 2909862 (VCV002909862.3), dbSNP rs754423621, ClinGen allele CA370913699.

ClinVar aggregate classification (germline): Uncertain significance (1 of 4 stars; one submission).

Conditions:
Werner syndrome (WRN). Identifiers: Orphanet 902, MedGen C0043119, MONDO:0010196, OMIM 277700.

Submission:

Labcorp Genetics (formerly Invitae), Labcorp
Classification: Uncertain significance for Werner syndrome. Last evaluated: 2023-07-26. Review status: criteria provided, single submitter. Criteria: Invitae Variant Classification Sherloc (09022015). Collection method: clinical testing. Allele origin: germline.
Comment: In summary, the available evidence is currently insufficient to determine the role of this variant in disease. Therefore, it has been classified as a Variant of Uncertain Significance. An algorithm developed to predict the effect of missense changes on protein structure and function (PolyPhen-2) suggests that this variant is likely to be disruptive. This variant has not been reported in the literature in individuals affected with WRN-related conditions. This variant is not present in population databases (gnomAD no frequency). This sequence change replaces cysteine, which is neutral and slightly polar, with serine, which is neutral and polar, at codon 791 of the WRN protein (p.Cys791Ser).